The following is an entry in ClinVar:

ClinVar aggregate classification (germline): Uncertain significance (1 of 4 stars; one submission).

Conditions:
Wilms tumor 1 (WT1). Also called: Wilms tumor, somatic. Identifiers: Orphanet 654, MedGen CN033288, MONDO:0008679, OMIM 194070.
11p partial monosomy syndrome (WAGR). Also called: WAGR syndrome; CHROMOSOME 11p13 DELETION SYNDROME; WAGR Complex; WAGR Spectrum Disorder. Identifiers: Orphanet 893, MedGen C0206115, MONDO:0008681, OMIM 194072.
Frasier syndrome. Identifiers: Orphanet 347, MedGen C0950122, MeSH D052159, MONDO:0007635, OMIM 136680.
Drash syndrome (DDS). Also called: WILMS TUMOR AND PSEUDO- OR TRUE HERMAPHRODITISM; NEPHROPATHY, WILMS TUMOR, AND GENITAL ANOMALIES. Identifiers: Orphanet 220, MedGen C0950121, MONDO:0008682, OMIM 194080.

Allele frequency attached by ClinVar (database versions not stated): gnomAD 0.00001.
gnomAD v4.1: 1 of 1,614,010 alleles (0.000062%); highest among the groups gnomAD compares: Non-Finnish European, 0.000085%; no homozygotes.

Submission:

Labcorp Genetics (formerly Invitae), Labcorp
Classification: Uncertain significance for Wilms tumor 1; Drash syndrome; 11p partial monosomy syndrome; Frasier syndrome. Last evaluated: 2022-04-21. Review status: criteria provided, single submitter. Criteria: Invitae Variant Classification Sherloc (09022015). Collection method: clinical testing. Allele origin: germline.
Comment: This sequence change replaces glutamine, which is neutral and polar, with histidine, which is basic and polar, at codon 252 of the WT1 protein (p.Gln252His). In summary, the available evidence is currently insufficient to determine the role of this variant in disease. Therefore, it has been classified as a Variant of Uncertain Significance. Algorithms developed to predict the effect of missense changes on protein structure and function are either unavailable or do not agree on the potential impact of this missense change (SIFT: "Deleterious"; PolyPhen-2: "Probably Damaging"; Align-GVGD: "Class C15"). ClinVar contains an entry for this variant (Variation ID: 1017836). This variant has not been reported in the literature in individuals affected with WT1-related conditions. This variant is not present in population databases (gnomAD no frequency).

NM_024426.6(WT1):c.771G>T (p.Gln257His)

Gene: WT1 (WT1 transcription factor; minus strand). Cytogenetic location: 11p13.
Variant type: single nucleotide variant.
Coding change: c.771G>T on transcript NM_024426.6 (MANE Select); coding-DNA position 771, G replaced by T.
Protein change: p.Gln257His; replaces glutamine 257 with histidine.
Molecular consequence: missense variant. On other transcripts: non-coding transcript variant (1).
Genome position (GRCh38, 1-based): chr11:32,428,510, C>A on the plus strand (G>T on the coding strand, the complement: WT1 is on the minus strand). VCF-style: chr11-32428510-C-A. GRCh37 (hg19) VCF-style: chr11-32450056-C-A.
Other names: c.771G>T, p.Gln257His (NM_000378.6, NM_001407044.1, NM_001407045.1 and 4 more transcripts); c.120G>T, p.Gln40His (NM_001198551.2, NM_001198552.2); c.9G>T, p.Gln3His (NM_001407051.1); c.756G>T, p.Gln252His (NM_024425.2); short protein forms Q257H, Q40H, Q3H, Q252H.
Identifiers: ClinVar variation 1017836 (VCV001017836.10), dbSNP rs1853140764, ClinGen allele CA379963279.